The following is an entry in ClinVar:

ClinVar aggregate classification (germline): Uncertain significance. Review status: criteria provided, multiple submitters, no conflicts (2 of 4 stars). 2 submissions from 2 submitters: Uncertain significance (2). Last evaluated 2026-01-22.

Conditions:
Inborn genetic diseases. Identifiers: MedGen C0950123, MeSH D030342.

Allele frequency attached by ClinVar (database versions not stated): gnomAD exomes 0.00003; TOPMed 0.00004; gnomAD 0.00003; ExAC 0.00002.

Submissions (2):

GeneDx
Classification: Uncertain significance. Last evaluated: 2026-01-22. Review status: criteria provided, single submitter. Criteria: GeneDx Variant Classification Process June 2021. Collection method: clinical testing. Allele origin: germline.
Comment: In silico analysis supports that this missense variant has a deleterious effect on protein structure/function; This variant is associated with the following publications: (PMID: 37478793)

Ambry Genetics
Classification: Uncertain significance for Inborn genetic diseases. Last evaluated: 2022-09-26. Review status: criteria provided, single submitter. Criteria: Ambry Variant Classification Scheme 2023. Collection method: clinical testing. Allele origin: germline.

NM_004279.3(PMPCB):c.973C>T (p.Arg325Cys)

Gene: PMPCB (peptidase, mitochondrial processing subunit beta; plus strand). Cytogenetic location: 7q22.1.
Variant type: single nucleotide variant.
Coding change: c.973C>T on transcript NM_004279.3 (MANE Select); coding-DNA position 973, C replaced by T.
Protein change: p.Arg325Cys; replaces arginine 325 with cysteine.
Molecular consequence: missense variant.
Genome position (GRCh38, 1-based): chr7:103,309,075, C>T. VCF-style: chr7-103309075-C-T. GRCh37 (hg19) VCF-style: chr7-102949522-C-T.
Other names: short protein forms R325C.
Identifiers: ClinVar variation 2404580 (VCV002404580.3), dbSNP rs775655777, ClinGen allele CA4418132.